The following is an entry in ClinVar:

ClinVar aggregate classification (germline): Uncertain significance. Review status: criteria provided, multiple submitters, no conflicts (2 of 4 stars). 2 submissions from 2 submitters: Uncertain significance (2). Last evaluated 2023-03-02.

Conditions:
Combined immunodeficiency due to LRBA deficiency. Also called: Common variable immunodeficiency 8, with autoimmunity. Identifiers: Orphanet 445018, MedGen C3553512, MONDO:0013863, OMIM 614700.

Allele frequency attached by ClinVar (database versions not stated): gnomAD 0.00001; gnomAD exomes 0.00001 and 0.00002; TOPMed 0.00002.
gnomAD v4.1: 8 of 1,613,476 alleles (0.0005%); highest among the groups gnomAD compares: Admixed American, 0.012%; no homozygotes.

Submissions (2):

Labcorp Genetics (formerly Invitae), Labcorp
Classification: Uncertain significance for Combined immunodeficiency due to LRBA deficiency. Last evaluated: 2023-03-02. Review status: criteria provided, single submitter. Criteria: Invitae Variant Classification Sherloc (09022015). Collection method: clinical testing. Allele origin: germline.
Comment: This sequence change replaces glutamic acid, which is acidic and polar, with glycine, which is neutral and non-polar, at codon 1088 of the LRBA protein (p.Glu1088Gly). This variant is present in population databases (no rsID available, gnomAD 0.01%). This variant has not been reported in the literature in individuals affected with LRBA-related conditions. ClinVar contains an entry for this variant (Variation ID: 658702). Advanced modeling of protein sequence and biophysical properties (such as structural, functional, and spatial information, amino acid conservation, physicochemical variation, residue mobility, and thermodynamic stability) performed at Invitae indicates that this missense variant is not expected to disrupt LRBA protein function. In summary, the available evidence is currently insufficient to determine the role of this variant in disease. Therefore, it has been classified as a Variant of Uncertain Significance.

Baylor Genetics
Classification: Uncertain significance for Combined immunodeficiency due to LRBA deficiency. Last evaluated: 2018-04-13. Review status: criteria provided, single submitter. Criteria: ACMG Guidelines, 2015. Collection method: clinical testing. Allele origin: maternal. Affected: yes.
Comment: This variant was determined to be of uncertain significance according to ACMG Guidelines, 2015 [PMID:25741868].

NM_001364905.1(LRBA):c.3263A>G (p.Glu1088Gly)

Gene: LRBA (LPS responsive beige-like anchor protein; minus strand). Cytogenetic location: 4q31.3.
Variant type: single nucleotide variant.
Coding change: c.3263A>G on transcript NM_001364905.1 (MANE Select); coding-DNA position 3263, A replaced by G.
Protein change: p.Glu1088Gly; replaces glutamic acid 1088 with glycine.
Molecular consequence: missense variant.
Genome position (GRCh38, 1-based): chr4:150,852,447, T>C on the plus strand (A>G on the coding strand, the complement: LRBA is on the minus strand). VCF-style: chr4-150852447-T-C. GRCh37 (hg19) VCF-style: chr4-151773599-T-C.
Other names: c.3263A>G, p.Glu1088Gly (NM_001199282.3, NM_001367550.1, NM_006726.5); short protein forms E1088G.
Identifiers: ClinVar variation 658702 (VCV000658702.9), dbSNP rs1387505849, ClinGen allele CA358459121.